The following is an entry in ClinVar:

NM_001378457.1(DMXL2):c.2851A>C (p.Ser951Arg)

Gene: DMXL2 (Dmx like 2; minus strand). Cytogenetic location: 15q21.2.
Variant type: single nucleotide variant.
Coding change: c.2851A>C on transcript NM_001378457.1 (MANE Select); coding-DNA position 2851, A replaced by C.
Protein change: p.Ser951Arg; replaces serine 951 with arginine.
Molecular consequence: missense variant. On other transcripts: non-coding transcript variant (2), intron variant (2).
Genome position (GRCh38, 1-based): chr15:51,502,947, T>G on the plus strand (A>C on the coding strand, the complement: DMXL2 is on the minus strand). VCF-style: chr15-51502947-T-G. GRCh37 (hg19) VCF-style: chr15-51795144-T-G.
Other names: c.2851A>C, p.Ser951Arg (NM_001174116.3, NM_001378458.1, NM_001378459.1 and 4 more transcripts); c.2611A>C, p.Ser871Arg (NM_001378464.1); c.2764+4187A>C (NM_001378460.1, NM_001174117.3); c.2851A>C (NM_001174116.1); short protein forms S951R, S871R.
Identifiers: ClinVar variation 2172162 (VCV002172162.2), dbSNP rs148642699, ClinGen allele CA7562239.

ClinVar aggregate classification (germline): Uncertain significance. Review status: criteria provided, multiple submitters, no conflicts (2 of 4 stars). 2 submissions from 2 submitters: Uncertain significance (2). Last evaluated 2025-02-13.

Conditions:
Inborn genetic diseases. Identifiers: MedGen C0950123, MeSH D030342.

Allele frequency attached by ClinVar (database versions not stated): gnomAD exomes 0.00001; ExAC 0.00002; gnomAD 0.00007; ESP Exome Variant Server 0.00015; TOPMed 0.00018.
gnomAD v4.1: 23 of 1,613,952 alleles (0.0014%); highest among the groups gnomAD compares: African/African-American, 0.028%; no homozygotes.

Submissions (2):

Ambry Genetics
Classification: Uncertain significance for Inborn genetic diseases. Last evaluated: 2025-02-13. Review status: criteria provided, single submitter. Criteria: Ambry Variant Classification Scheme 2023. Collection method: clinical testing. Allele origin: germline.

Labcorp Genetics (formerly Invitae), Labcorp
Classification: Uncertain significance. Last evaluated: 2022-08-31. Review status: criteria provided, single submitter. Criteria: Invitae Variant Classification Sherloc (09022015). Collection method: clinical testing. Allele origin: germline.
Comment: This sequence change replaces serine, which is neutral and polar, with arginine, which is basic and polar, at codon 951 of the DMXL2 protein (p.Ser951Arg). This variant is present in population databases (rs148642699, gnomAD 0.03%). This variant has not been reported in the literature in individuals affected with DMXL2-related conditions. Algorithms developed to predict the effect of missense changes on protein structure and function output the following: SIFT: "Deleterious"; PolyPhen-2: "Benign"; Align-GVGD: "Class C0". The arginine amino acid residue is found in multiple mammalian species, which suggests that this missense change does not adversely affect protein function. In summary, the available evidence is currently insufficient to determine the role of this variant in disease. Therefore, it has been classified as a Variant of Uncertain Significance.